The following is an entry in ClinVar:

ClinVar aggregate classification (germline): Uncertain significance (1 of 4 stars; one submission).

Conditions:
Hereditary cancer-predisposing syndrome. Also called: Neoplastic Syndromes, Hereditary; Tumor predisposition; Hereditary neoplastic syndrome; Hereditary Cancer Syndrome. Identifiers: Orphanet 140162, MedGen C0027672, MeSH D009386, MONDO:0015356.

Submission:

Ambry Genetics
Classification: Uncertain significance for Hereditary cancer-predisposing syndrome. Last evaluated: 2026-07-07. Review status: criteria provided, single submitter. Criteria: Ambry Variant Classification Scheme 2023. Collection method: clinical testing. Allele origin: germline.
Comment: The p.I278K variant (also known as c.833T>A), located in coding exon 1 of the MET gene, results from a T to A substitution at nucleotide position 833. The isoleucine at codon 278 is replaced by lysine, an amino acid with dissimilar properties. This amino acid position is conserved. In addition, the in silico prediction for this alteration is inconclusive. Based on the available evidence, the clinical significance of this variant remains unclear.

NM_000245.4(MET):c.833T>A (p.Ile278Lys)

Gene: MET (MET proto-oncogene, receptor tyrosine kinase; plus strand). Cytogenetic location: 7q31.2.
Variant type: single nucleotide variant.
Coding change: c.833T>A on transcript NM_000245.4 (MANE Select); coding-DNA position 833, T replaced by A.
Protein change: p.Ile278Lys; replaces isoleucine 278 with lysine.
Molecular consequence: missense variant. On other transcripts: intron variant (1).
Genome position (GRCh38, 1-based): chr7:116,699,917, T>A. VCF-style: chr7-116699917-T-A. GRCh37 (hg19) VCF-style: chr7-116339971-T-A.
Other names: c.833T>A, p.Ile278Lys (NM_001127500.3, NM_001324401.3); c.-91+27340T>A (NM_001324402.2); short protein forms I278K.
Identifiers: ClinVar variation 5024392 (VCV005024392.1).